The following is an entry in ClinVar:

ClinVar aggregate classification (germline): Uncertain significance (1 of 4 stars; one submission).

gnomAD v4.1: 20 of 1,610,824 alleles (0.0012%); highest among the groups gnomAD compares: Non-Finnish European, 0.0016%; no homozygotes.

Submission:

Labcorp Genetics (formerly Invitae), Labcorp
Classification: Uncertain significance. Last evaluated: 2025-04-07. Review status: criteria provided, single submitter. Criteria: Invitae Variant Classification Sherloc (09022015). Collection method: clinical testing. Allele origin: germline.
Comment: This sequence change replaces valine, which is neutral and non-polar, with phenylalanine, which is neutral and non-polar, at codon 2601 of the DCHS1 protein (p.Val2601Phe). This variant is present in population databases (rs137963411, gnomAD 0.0009%). This variant has not been reported in the literature in individuals affected with DCHS1-related conditions. ClinVar contains an entry for this variant (Variation ID: 3617186). Invitae Evidence Modeling of protein sequence and biophysical properties (such as structural, functional, and spatial information, amino acid conservation, physicochemical variation, residue mobility, and thermodynamic stability) indicates that this missense variant is not expected to disrupt DCHS1 protein function with a negative predictive value of 80%. In summary, the available evidence is currently insufficient to determine the role of this variant in disease. Therefore, it has been classified as a Variant of Uncertain Significance.

NM_003737.4(DCHS1):c.7801G>T (p.Val2601Phe)

Gene: DCHS1 (dachsous cadherin-related 1; minus strand). Cytogenetic location: 11p15.4.
Variant type: single nucleotide variant.
Coding change: c.7801G>T on transcript NM_003737.4 (MANE Select); coding-DNA position 7801, G replaced by T.
Protein change: p.Val2601Phe; replaces valine 2601 with phenylalanine.
Molecular consequence: missense variant.
Genome position (GRCh38, 1-based): chr11:6,623,875, C>A on the plus strand (G>T on the coding strand, the complement: DCHS1 is on the minus strand). VCF-style: chr11-6623875-C-A. GRCh37 (hg19) VCF-style: chr11-6645106-C-A.
Other names: short protein forms V2601F.
Identifiers: ClinVar variation 3617186 (VCV003617186.2).